The following is an entry in ClinVar:

ClinVar aggregate classification (germline): Pathogenic. Review status: criteria provided, multiple submitters, no conflicts (2 of 4 stars). 2 submissions from 2 submitters: Pathogenic (2). Last evaluated 2022-09-02.

Conditions:
Exostoses, multiple, type 1 (EXT1). Also called: EXOSTOSES, MULTIPLE, TYPE I; Hereditary Multiple Osteochondromatosis, Type I. Identifiers: MedGen CN263289, MONDO:0007585, OMIM 133700.
Multiple congenital exostosis (EXT). Also called: MULTIPLE CARTILAGINOUS EXOSTOSES; Hereditary multiple osteochondromas; Multiple osteochondromas; Multiple exostoses; Hereditary multiple exostoses; Hereditary multiple exostosis. Identifiers: Orphanet 321, MedGen C0015306, MONDO:0005508, HP:0002762.

Submissions (2):

Victorian Clinical Genetics Services, Murdoch Childrens Research Institute
Classification: Pathogenic for Exostoses, multiple, type 1. Last evaluated: 2022-09-02. Review status: criteria provided, single submitter. Criteria: ACMG Guidelines, 2015. Collection method: clinical testing. Allele origin: germline. Inheritance: Autosomal dominant inheritance. Affected: yes.
Comment: Based on the classification scheme VCGS_Germline_v1.3.4, this variant is classified as Pathogenic. Following criteria are met: 0102 - Loss of function is a known mechanism of disease in this gene and is associated with multiple exostoses type 1 (MIM#133700). (I) 0107 - This gene is associated with autosomal dominant disease. (I) 0115 - Variants in this gene are known to have variable expressivity. Variable intrafamilial expressivity resulting in clinically undiagnosed cases due to absent or unidentified mild symptoms have been reported (PMIDs: 9326317, 29529714). (I) 0201 - Variant is predicted to cause nonsense-mediated decay (NMD) and loss of protein (premature termination codon is located at least 54 nucleotides upstream of the final exon-exon junction). (SP) 0251 - This variant is heterozygous. (I) 0301 - Variant is absent from gnomAD (both v2 and v3). (SP) 0701 - Other null variants comparable to the one identified in this case have very strong previous evidence for pathogenicity. Multiple NMD-predicted variants have been classified as likely pathogenic or pathogenic (DECIPHER). (SP) 0807 - This variant has no previous evidence of pathogenicity. (I) 0905 - No published segregation evidence has been identified for this variant. (I) 1007 - No published functional evidence has been identified for this variant. (I) 1208 - Inheritance information for this variant is not currently available in this individual. (I) Legend: (SP) - Supporting pathogenic, (I) - Information, (SB) - Supporting benign

Labcorp Genetics (formerly Invitae), Labcorp
Classification: Pathogenic for Multiple congenital exostosis. Last evaluated: 2019-01-20. Review status: criteria provided, single submitter. Criteria: Invitae Variant Classification Sherloc (09022015). Collection method: clinical testing. Allele origin: germline.
Comment: Loss-of-function variants in EXT1 are known to be pathogenic (PMID: 10679937, 11391482, 19810120). For these reasons, this variant has been classified as Pathogenic. This variant has not been reported in the literature in individuals with EXT1-related conditions. This variant is not present in population databases (ExAC no frequency). This sequence change creates a premature translational stop signal (p.Tyr553Thrfs*68) in the EXT1 gene. It is expected to result in an absent or disrupted protein product.

Literature cited by the submitters: PubMed 9326317 (cited by Victorian Clinical Genetics Services, Murdoch Childrens Research Institute); PubMed 29529714 (cited by Victorian Clinical Genetics Services, Murdoch Childrens Research Institute); PubMed 10679937 (cited by Labcorp Genetics (formerly Invitae), Labcorp); PubMed 11391482 (cited by Labcorp Genetics (formerly Invitae), Labcorp); PubMed 19810120 (cited by Labcorp Genetics (formerly Invitae), Labcorp).

NM_000127.3(EXT1):c.1656del (p.Tyr553fs)

Gene: EXT1 (exostosin glycosyltransferase 1; minus strand). Cytogenetic location: 8q24.11.
Variant type: Deletion.
Coding change: c.1656del on transcript NM_000127.3 (MANE Select); coding-DNA position 1656, one base deleted (C; older notation c.1656delC).
Protein change: p.Tyr553fs; shifts the reading frame from tyrosine 553.
Molecular consequence: frameshift variant.
Genome position (GRCh38, 1-based): chr8:117,812,938, G deleted on the plus strand (C on the coding strand, the reverse complement: EXT1 is on the minus strand); the first of 3 consecutive G bases (chr8:117,812,938-117,812,940); deleting any one gives the same sequence. VCF-style (leftmost placement, unchanged base first): chr8-117812937-AG-A. GRCh37 (hg19) VCF-style: chr8-118825176-AG-A.
Other names: c.1656delC (NM_000127.2); short protein forms Y553fs.
Identifiers: ClinVar variation 863015 (VCV000863015.9), dbSNP rs1823353269, ClinGen allele CA916081518.